The following is an entry in ClinVar:

NM_001111.5(ADAR):c.2720A>G (p.Asn907Ser)

Genes: ADAR (adenosine deaminase RNA specific; minus strand), LOC126805874 (CDK7 strongly-dependent group 2 enhancer GRCh37_chr1:154561176-154562375; plus strand). Cytogenetic location: 1q21.3.
Variant type: single nucleotide variant.
Coding change: c.2720A>G on transcript NM_001111.5 (MANE Select); coding-DNA position 2720, A replaced by G.
Protein change: p.Asn907Ser; replaces asparagine 907 with serine.
Molecular consequence: missense variant.
Genome position (GRCh38, 1-based): chr1:154,589,411, T>C on the plus strand (A>G on the coding strand, the complement: ADAR is on the minus strand). VCF-style: chr1-154589411-T-C. GRCh37 (hg19) VCF-style: chr1-154561887-T-C.
Other names: c.1835A>G, p.Asn612Ser (NM_001025107.3, NM_001193495.2, NM_001365046.1 and 2 more transcripts); c.2747A>G, p.Asn916Ser (NM_001365045.1); c.1757A>G, p.Asn586Ser (NM_001365049.1); c.2642A>G, p.Asn881Ser (NM_015840.4); c.2585A>G, p.Asn862Ser (NM_015841.4); short protein forms N586S, N916S, N862S, N907S, N612S, N881S.
Identifiers: ClinVar variation 915450 (VCV000915450.5), dbSNP rs1696974967, ClinGen allele CA342636614.

ClinVar aggregate classification (germline): Uncertain significance. Review status: criteria provided, single submitter (1 of 4 stars). 2 submissions from 2 submitters: Uncertain significance (1). 1 of the submissions does not count toward it. Last evaluated 2025-10-15.

Conditions:
Symmetrical dyschromatosis of extremities (DSH). Also called: RETICULATE ACROPIGMENTATION OF DOHI; SYMMETRIC DYSCHROMATOSIS OF THE EXTREMITIES; DYSCHROMATOSIS SYMMETRICA HEREDITARIA 1; Dyschromatosis symmetrica hereditaria. Identifiers: Orphanet 41, MedGen C0406775, MONDO:0007483, OMIM 127400.
Aicardi-Goutieres syndrome 6 (AGS6). Identifiers: Orphanet 51, MedGen C3539013, MONDO:0014007, OMIM 615010.

Submissions (2):

Labcorp Genetics (formerly Invitae), Labcorp
Classification: Uncertain significance for Aicardi-Goutieres syndrome 6; Symmetrical dyschromatosis of extremities. Last evaluated: 2025-10-15. Review status: criteria provided, single submitter. Criteria: Invitae Variant Classification Sherloc (09022015). Collection method: clinical testing. Allele origin: germline.
Comment: This sequence change replaces asparagine, which is neutral and polar, with serine, which is neutral and polar, at codon 907 of the ADAR protein (p.Asn907Ser). This variant is not present in population databases (gnomAD no frequency). This missense change has been observed in individual(s) with Aicardi-Goutieres syndrome (PMID: 32996714). ClinVar contains an entry for this variant (Variation ID: 915450). Invitae Evidence Modeling of protein sequence and biophysical properties (such as structural, functional, and spatial information, amino acid conservation, physicochemical variation, residue mobility, and thermodynamic stability) has been performed for this missense variant. However, the output from this modeling did not meet the statistical confidence thresholds required to predict the impact of this variant on ADAR protein function. In summary, the available evidence is currently insufficient to determine the role of this variant in disease. Therefore, it has been classified as a Variant of Uncertain Significance.

Institute of Medical Molecular Genetics, University of Zurich
Classification: Pathogenic for Aicardi-Goutieres syndrome 6. Last evaluated: 2019-08-01. Review status: no assertion criteria provided. Collection method: research. Allele origin: germline, unknown. Affected: yes and no. Observed: 2 heterozygotes, 1 homozygote. Not counted in ClinVar's aggregate classification.

Literature cited by the submitters: PubMed 32996714 (cited by Labcorp Genetics (formerly Invitae), Labcorp and Institute of Medical Molecular Genetics, University of Zurich).